The following is an entry in ClinVar:

ClinVar aggregate classification (germline): Uncertain significance. Review status: criteria provided, multiple submitters, no conflicts (2 of 4 stars). 2 submissions from 2 submitters: Uncertain significance (2). Last evaluated 2025-12-29.

Conditions:
Gorlin syndrome. Also called: Nevoid Basal Cell Carcinoma Syndrome; Basal cell nevus syndrome. Identifiers: Orphanet 377, MedGen C0004779, MONDO:0007187.
Hereditary cancer-predisposing syndrome. Also called: Tumor predisposition; Hereditary neoplastic syndrome; Hereditary Cancer Syndrome; Neoplastic Syndromes, Hereditary. Identifiers: Orphanet 140162, MedGen C0027672, MeSH D009386, MONDO:0015356.

Submissions (2):

Ambry Genetics
Classification: Uncertain significance for Hereditary cancer-predisposing syndrome. Last evaluated: 2025-12-29. Review status: criteria provided, single submitter. Criteria: Ambry Variant Classification Scheme 2023. Collection method: clinical testing. Allele origin: germline.
Comment: The p.T865S variant (also known as c.2594C>G), located in coding exon 16 of the PTCH1 gene, results from a C to G substitution at nucleotide position 2594. The threonine at codon 865 is replaced by serine, an amino acid with similar properties. This amino acid position is conserved. In addition, this alteration is predicted to be tolerated by in silico analysis. Based on the available evidence, the clinical significance of this variant remains unclear.

Labcorp Genetics (formerly Invitae), Labcorp
Classification: Uncertain significance for Gorlin syndrome. Last evaluated: 2020-09-11. Review status: criteria provided, single submitter. Criteria: Invitae Variant Classification Sherloc (09022015). Collection method: clinical testing. Allele origin: germline.
Comment: This sequence change replaces threonine with serine at codon 865 of the PTCH1 protein (p.Thr865Ser). The threonine residue is weakly conserved and there is a small physicochemical difference between threonine and serine. In summary, the available evidence is currently insufficient to determine the role of this variant in disease. Therefore, it has been classified as a Variant of Uncertain Significance. Algorithms developed to predict the effect of missense changes on protein structure and function output the following: SIFT: "Tolerated"; PolyPhen-2: "Benign"; Align-GVGD: "Class C0". The serine amino acid residue is found in multiple mammalian species, suggesting that this missense change does not adversely affect protein function. These predictions have not been confirmed by published functional studies and their clinical significance is uncertain. This variant has not been reported in the literature in individuals with PTCH1-related conditions. This variant is not present in population databases (ExAC no frequency).

NM_000264.5(PTCH1):c.2594C>G (p.Thr865Ser)

Gene: PTCH1 (patched 1; minus strand). Cytogenetic location: 9q22.32.
Variant type: single nucleotide variant.
Coding change: c.2594C>G on transcript NM_000264.5 (MANE Select); coding-DNA position 2594, C replaced by G.
Protein change: p.Thr865Ser; replaces threonine 865 with serine.
Molecular consequence: missense variant. On other transcripts: non-coding transcript variant (1).
Genome position (GRCh38, 1-based): chr9:95,461,965, G>C on the plus strand (C>G on the coding strand, the complement: PTCH1 is on the minus strand). VCF-style: chr9-95461965-G-C. GRCh37 (hg19) VCF-style: chr9-98224247-G-C.
Other names: c.2396C>G, p.Thr799Ser (NM_001083602.3); c.2591C>G, p.Thr864Ser (NM_001083603.3); c.2141C>G, p.Thr714Ser (NM_001083604.3, NM_001083605.3, NM_001083606.3 and 1 more transcripts); c.2438C>G, p.Thr813Ser (NM_001354918.2); short protein forms T865S, T714S, T799S, T813S, T864S.
Identifiers: ClinVar variation 971353 (VCV000971353.11), dbSNP rs1839515437, ClinGen allele CA374113514.